The following is an entry in ClinVar:

NM_001754.5(RUNX1):c.59-11T>G

Gene: RUNX1 (RUNX family transcription factor 1; minus strand). Cytogenetic location: 21q22.12.
Variant type: single nucleotide variant.
Coding change: c.59-11T>G on transcript NM_001754.5 (MANE Select); 11 bases into the intron before coding-DNA position 59, T replaced by G.
Molecular consequence: intron variant.
Genome position (GRCh38, 1-based): chr21:34,892,974, A>C on the plus strand (T>G on the coding strand, the complement: RUNX1 is on the minus strand). VCF-style: chr21-34892974-A-C. GRCh37 (hg19) VCF-style: chr21-36265271-A-C.
Identifiers: ClinVar variation 2783241 (VCV002783241.4), dbSNP rs2517536301, ClinGen allele CA2739267619.

ClinVar aggregate classification (germline): Uncertain significance. Review status: reviewed by expert panel (3 of 4 stars). 2 submissions from 2 submitters: Uncertain significance (1). 1 of the submissions does not count toward it. Last evaluated 2025-01-15.

Conditions:
Hereditary thrombocytopenia and hematological cancer predisposition syndrome associated with RUNX1. Also called: Familial Platelet Disorder with Propensity to Acute Myelogenous Leukemia; Familial thrombocytopenia with propensity to acute myelogenous leukemia; PLATELET DISORDER, ASPIRIN-LIKE; RUNX1 Familial Platelet Disorder with Associated Myeloid Malignancies. Identifiers: Orphanet 71290, MedGen C1832388, MeSH C563324, MONDO:0100083, OMIM 601399.
Hereditary thrombocytopenia and hematologic cancer predisposition syndrome. Identifiers: Orphanet 71290, MedGen CN281654, MONDO:0011071.

Submissions (2):

ClinGen Myeloid Malignancy Variant Curation Expert Panel
Classification: Uncertain significance for Hereditary thrombocytopenia and hematologic cancer predisposition syndrome. Last evaluated: 2025-01-15. Review status: reviewed by expert panel. Criteria: ClinGen MyeloMalig ACMG Specifications v2. Collection method: curation. Allele origin: germline. Inheritance: Autosomal dominant inheritance.
Comment: NM_001754.5(RUNX1):c.59-11T>G is an intronic variant which is completely absent from all population databases with at least 20x coverage for RUNX1 (PM2_Supporting). In summary, the clinical significance of this variant is uncertain. ACMG/AMP criteria applied, as specified by the Myeloid Malignancy Variant Curation Expert Panel for RUNX1: PM2_Supporting

Labcorp Genetics (formerly Invitae), Labcorp
Classification: Likely benign for Hereditary thrombocytopenia and hematological cancer predisposition syndrome associated with RUNX1. Last evaluated: 2023-10-22. Review status: criteria provided, single submitter. Criteria: Invitae Variant Classification Sherloc (09022015). Collection method: clinical testing. Allele origin: germline. Not counted in ClinVar's aggregate classification.